The following is an entry in ClinVar:

NM_001277115.2(DNAH11):c.9139C>T (p.His3047Tyr)

Gene: DNAH11 (dynein axonemal heavy chain 11; plus strand). Cytogenetic location: 7p15.3.
Variant type: single nucleotide variant.
Coding change: c.9139C>T on transcript NM_001277115.2 (MANE Select); coding-DNA position 9139, C replaced by T.
Protein change: p.His3047Tyr; replaces histidine 3047 with tyrosine.
Molecular consequence: missense variant.
Genome position (GRCh38, 1-based): chr7:21,773,802, C>T. VCF-style: chr7-21773802-C-T. GRCh37 (hg19) VCF-style: chr7-21813420-C-T.
Other names: short protein forms H3047Y.
Identifiers: ClinVar variation 969272 (VCV000969272.15), dbSNP rs1159816817, ClinGen allele CA366936410.

ClinVar aggregate classification (germline): Uncertain significance. Review status: criteria provided, multiple submitters, no conflicts (2 of 4 stars). 2 submissions from 2 submitters: Uncertain significance (2). Last evaluated 2023-10-10.

Conditions:
Primary ciliary dyskinesia. Also called: Ciliary dyskinesia. Identifiers: Orphanet 244, MedGen C0008780, MONDO:0016575, HP:0012265.

gnomAD v4.1: 5 of 1,605,818 alleles (0.00031%); 1 homozygote.

Submissions (2):

Ambry Genetics
Classification: Uncertain significance for Primary ciliary dyskinesia. Last evaluated: 2023-10-10. Review status: criteria provided, single submitter. Criteria: Ambry Variant Classification Scheme 2023. Collection method: clinical testing. Allele origin: germline.

Labcorp Genetics (formerly Invitae), Labcorp
Classification: Uncertain significance for Primary ciliary dyskinesia. Last evaluated: 2021-09-01. Review status: criteria provided, single submitter. Criteria: Invitae Variant Classification Sherloc (09022015). Collection method: clinical testing. Allele origin: germline.
Comment: This sequence change replaces histidine with tyrosine at codon 3047 of the DNAH11 protein (p.His3047Tyr). The histidine residue is moderately conserved and there is a moderate physicochemical difference between histidine and tyrosine. This variant is not present in population databases (ExAC no frequency). This variant has not been reported in the literature in individuals affected with DNAH11-related conditions. Algorithms developed to predict the effect of missense changes on protein structure and function output the following: SIFT: "Tolerated"; PolyPhen-2: "Benign"; Align-GVGD: "Class C0". The tyrosine amino acid residue is found in multiple mammalian species, which suggests that this missense change does not adversely affect protein function. In summary, the available evidence is currently insufficient to determine the role of this variant in disease. Therefore, it has been classified as a Variant of Uncertain Significance.